The following is an entry in ClinVar:

ClinVar aggregate classification (germline): Pathogenic (1 of 4 stars; one submission).

Conditions:
Alkaptonuria (AKU). Also called: Alkaptonuric ochronosis; Homogentisic acidura; HOMOGENTISIC ACID OXIDASE DEFICIENCY; Alcaptonuria. Identifiers: Orphanet 56, MedGen C0002066, MONDO:0008753, OMIM 203500.

Submission:

Labcorp Genetics (formerly Invitae), Labcorp
Classification: Pathogenic for Alkaptonuria. Last evaluated: 2023-05-02. Review status: criteria provided, single submitter. Criteria: Invitae Variant Classification Sherloc (09022015). Collection method: clinical testing. Allele origin: germline.
Comment: For these reasons, this variant has been classified as Pathogenic. This variant disrupts a region of the HGD protein in which other variant(s) (p.Gly360Arg) have been determined to be pathogenic (PMID: 10819641, 19306858, 19862842, 26960557). This suggests that this is a clinically significant region of the protein, and that variants that disrupt it are likely to be disease-causing. A similar copy number variant has been observed in individuals with alkaptonuria (PMID: 30737480; Invitae). This variant is a gross deletion of the genomic region encompassing exon(s) 13 of the HGD gene. While this deletion is not anticipated to lead to nonsense mediated decay, it is expected to disrupt the C-terminus of the protein.

Literature cited by the submitters: PubMed 10819641; PubMed 19306858; PubMed 19862842; PubMed 26960557; PubMed 30737480.

NC_000003.12:g.(?_120633127)_(120633348_?)del

Gene: HGD (homogentisate 1,2-dioxygenase; minus strand). Cytogenetic location: 3q13.33.
Variant type: Deletion.
Identifiers: ClinVar variation 645876 (VCV000645876.8).